The following is an entry in ClinVar:

ClinVar aggregate classification (germline): Uncertain significance (1 of 4 stars; one submission).

Submission:

Women's Health and Genetics/Laboratory Corporation of America, LabCorp
Classification: Uncertain significance. Last evaluated: 2024-11-13. Review status: criteria provided, single submitter. Criteria: LabCorp Variant Classification Summary - May 2015. Collection method: clinical testing. Allele origin: germline.
Comment: Variant summary: The variant involves the duplication of exons 1-10 in the D2HGDH gene. A presumed nomenclature of c.(?_-159)_(*843_?)dup has been designated for the purposes of this classification. This duplication includes the entire coding sequence of the gene. As exact breakpoints are unknown, it may extend beyond the annotated region of the gene, to include other flanking genes. The variant was absent in 21694 control chromosomes. The available data on variant occurrences in the general population are insufficient to allow any conclusion about variant significance. To our knowledge, no occurrence of c.(?_-159)_(*843_?)dup in individuals affected with D-2 Hydroxyglutaric Aciduria 1 and no experimental evidence demonstrating its impact on protein function have been reported. ClinVar contains an entry for this variant (Variation ID: 832308). Based on the evidence outlined above, the variant was classified as uncertain significance.

NC_000002.11:g.(?_242674044)_(242708227_?)dup

Gene: D2HGDH (D-2-hydroxyglutarate dehydrogenase; plus strand). Cytogenetic location: 2q37.3.
Variant type: Duplication.
Identifiers: ClinVar variation 3629652 (VCV003629652.1).